The following is an entry in ClinVar:

NM_001165963.4(SCN1A):c.2686_2694del (p.Val896_Ala898del)

Gene: SCN1A (sodium voltage-gated channel alpha subunit 1; minus strand). Cytogenetic location: 2q24.3.
Variant type: Deletion.
Coding change: c.2686_2694del on transcript NM_001165963.4 (MANE Select); coding-DNA positions 2686 to 2694, 9 bases deleted (GTCTTGGCC; older notation c.2686_2694delGTCTTGGCC).
Protein change: p.Val896_Ala898del.
Molecular consequence: inframe deletion. On other transcripts: non-coding transcript variant (1).
Genome position (GRCh38, 1-based): chr2:166,038,028-166,038,036, GGCCAAGAC deleted on the plus strand (GTCTTGGCC on the coding strand, the reverse complement: SCN1A is on the minus strand); deleting any 9 consecutive bases within chr2:166,038,028-166,038,037 gives the same sequence; the c. name uses the placement nearest the transcript's 3' end. VCF-style (leftmost placement, unchanged base first): chr2-166038027-TGGCCAAGAC-T. GRCh37 (hg19) VCF-style: chr2-166894537-TGGCCAAGAC-T.
Other names: c.2602_2610del, p.Val868_Ala870del (NM_001165964.3, NM_001353957.2, NM_001353958.2); c.2686_2694del, p.Val896_Ala898del (NM_001202435.3, NM_001353948.2); c.2653_2661del, p.Val885_Ala887del (NM_001353949.2, NM_001353950.2, NM_001353951.2 and 2 more transcripts); c.2650_2658del, p.Val884_Ala886del (NM_001353954.2, NM_001353955.2); c.2599_2607del, p.Val867_Ala869del (NM_001353960.2); c.244_252del, p.Val82_Ala84del (NM_001353961.2).
Identifiers: ClinVar variation 208408 (VCV000208408.1), dbSNP rs797044981, ClinGen allele CA319663.

ClinVar aggregate classification (germline): Pathogenic (1 of 4 stars; one submission).

Submission:

GeneDx
Classification: Pathogenic. Last evaluated: 2012-06-29. Review status: criteria provided, single submitter. Criteria: GeneDx Variant Classification (06012015). Collection method: clinical testing. Allele origin: germline. Affected: yes.
Comment: p.Val896_A898del: c.2686_2694delGTCTTGGCC in exon 15 of the SCN1A gene (NM_006920.4) The c.2686_2694delGTCTTGGCC mutation in the SCN1A gene has not been published as a mutation, nor has it been reported as a benign polymorphism to our knowledge. It results in an in-frame deletion of three highly conserved amino acids in the fifth segment of the second transmembrane domain of the protein, beginning at codon Valine 896 and ending at codon Alanine 898. A missense mutation (Val896Leu), which alters one of the amino acids deleted, has been previously published in association with Dravet syndrome (Depienne et al., 2009). Additionally, multiple other missense mutations have been reported in this segment in an external mutation database, confirming the functional importance of this region of the protein. Therefore, c.2686_2694delGTCTTGGCC is considered a mutation, and its presence is consistent with a diagnosis of an SCN1A-related disorder. The variant is found in EPILEPSY panel(s).